The following is an entry in ClinVar:

NM_133497.4(KCNV2):c.1570G>A (p.Ala524Thr)

Gene: KCNV2 (potassium voltage-gated channel modifier subfamily V member 2; plus strand). Cytogenetic location: 9p24.2.
Variant type: single nucleotide variant.
Coding change: c.1570G>A on transcript NM_133497.4 (MANE Select); coding-DNA position 1570, G replaced by A.
Protein change: p.Ala524Thr; replaces alanine 524 with threonine.
Molecular consequence: missense variant.
Genome position (GRCh38, 1-based): chr9:2,729,659, G>A. VCF-style: chr9-2729659-G-A. GRCh37 (hg19) VCF-style: chr9-2729659-G-A.
Other names: short protein forms A524T.
Identifiers: ClinVar variation 2007173 (VCV002007173.4), dbSNP rs1471161378, ClinGen allele CA372803751.

ClinVar aggregate classification (germline): Uncertain significance (1 of 4 stars; one submission).

Allele frequency attached by ClinVar (database versions not stated): TOPMed below 0.00001; gnomAD 0.00001.
gnomAD v4.1: 1 of 1,614,020 alleles (0.000062%); highest among the groups gnomAD compares: East Asian, 0.0022%; no homozygotes.

Submission:

Labcorp Genetics (formerly Invitae), Labcorp
Classification: Uncertain significance. Last evaluated: 2022-06-17. Review status: criteria provided, single submitter. Criteria: Invitae Variant Classification Sherloc (09022015). Collection method: clinical testing. Allele origin: germline.
Comment: In summary, the available evidence is currently insufficient to determine the role of this variant in disease. Therefore, it has been classified as a Variant of Uncertain Significance. Algorithms developed to predict the effect of missense changes on protein structure and function are either unavailable or do not agree on the potential impact of this missense change (SIFT: "Deleterious"; PolyPhen-2: "Benign"; Align-GVGD: "Class C0"). This variant has not been reported in the literature in individuals affected with KCNV2-related conditions. This variant is not present in population databases (gnomAD no frequency). This sequence change replaces alanine, which is neutral and non-polar, with threonine, which is neutral and polar, at codon 524 of the KCNV2 protein (p.Ala524Thr).